The following is an entry in ClinVar:

ClinVar aggregate classification (germline): Benign/Likely benign. Review status: criteria provided, multiple submitters, no conflicts (2 of 4 stars). 5 submissions from 5 submitters: Benign (2); Likely benign (2). 1 of the submissions does not count toward it. Last evaluated 2026-02-01.

Conditions:
KRT3-related disorder. Also called: KRT3-related condition.

Allele frequency attached by ClinVar (database versions not stated): gnomAD exomes 0.00248; ExAC 0.00261; ESP Exome Variant Server 0.00600; gnomAD 0.00600 and 0.00626; 1000 Genomes Project 0.00759; TOPMed 0.00759; 1000 Genomes Project 30x 0.00874.
gnomAD v4.1: 2,930 of 1,613,926 alleles (0.18%); highest among the groups gnomAD compares: African/African-American, 1.7%; 11 homozygotes.

Submissions (5):

CeGaT Center for Human Genetics Tuebingen
Classification: Likely benign. Last evaluated: 2026-02-01. Review status: criteria provided, single submitter. Criteria: CeGaT Center For Human Genetics Tuebingen Variant Classification Criteria Version 2. Collection method: clinical testing. Allele origin: germline. Affected: yes. Observed: 2 variant alleles.
Comment: KRT3: BP4

Labcorp Genetics (formerly Invitae), Labcorp
Classification: Benign. Last evaluated: 2025-10-01. Review status: criteria provided, single submitter. Criteria: Invitae Variant Classification Sherloc (09022015). Collection method: clinical testing. Allele origin: germline.

Blueprint Genetics
Classification: Likely benign. Last evaluated: 2024-11-26. Review status: criteria provided, single submitter. Criteria: ACMG Guidelines, 2015. Collection method: clinical testing. Allele origin: germline.

Breakthrough Genomics
Classification: Benign. Review status: criteria provided, single submitter. Criteria: ACMG Guidelines, 2015. Collection method: not provided. Allele origin: germline. Inheritance: Autosomal dominant inheritance. Affected: yes.

PreventionGenetics, part of Exact Sciences
Classification: Benign for KRT3-related condition. Last evaluated: 2023-12-01. Review status: no assertion criteria provided. Collection method: clinical testing. Allele origin: germline. Not counted in ClinVar's aggregate classification.
Comment: This variant is classified as benign based on ACMG/AMP sequence variant interpretation guidelines (Richards et al. 2015 PMID: 25741868, with internal and published modifications).

NM_057088.3(KRT3):c.250C>T (p.Arg84Trp)

Gene: KRT3 (keratin 3; minus strand). Cytogenetic location: 12q13.13.
Variant type: single nucleotide variant.
Coding change: c.250C>T on transcript NM_057088.3 (MANE Select); coding-DNA position 250, C replaced by T.
Protein change: p.Arg84Trp; replaces arginine 84 with tryptophan.
Molecular consequence: missense variant.
Genome position (GRCh38, 1-based): chr12:52,795,793, G>A on the plus strand (C>T on the coding strand, the complement: KRT3 is on the minus strand). VCF-style: chr12-52795793-G-A. GRCh37 (hg19) VCF-style: chr12-53189577-G-A.
Other names: short protein forms R84W.
Identifiers: ClinVar variation 787397 (VCV000787397.28), dbSNP rs62617086, ClinGen allele CA6588263.